The following is an entry in ClinVar:

NM_001291303.3(FAT4):c.9656A>G (p.Asn3219Ser)

Gene: FAT4 (FAT atypical cadherin 4; plus strand). Cytogenetic location: 4q28.1.
Variant type: single nucleotide variant.
Coding change: c.9656A>G on transcript NM_001291303.3 (MANE Select); coding-DNA position 9656, A replaced by G.
Protein change: p.Asn3219Ser; replaces asparagine 3219 with serine.
Molecular consequence: missense variant.
Genome position (GRCh38, 1-based): chr4:125,450,666, A>G. VCF-style: chr4-125450666-A-G. GRCh37 (hg19) VCF-style: chr4-126371821-A-G.
Other names: c.9656A>G, p.Asn3219Ser (NM_001291285.3); c.9650A>G, p.Asn3217Ser (NM_024582.6); short protein forms N3217S, N3219S.
Identifiers: ClinVar variation 1484104 (VCV001484104.8), dbSNP rs2126059779, ClinGen allele CA358153131.

ClinVar aggregate classification (germline): Uncertain significance (1 of 4 stars; one submission).

Submission:

Labcorp Genetics (formerly Invitae), Labcorp
Classification: Uncertain significance. Last evaluated: 2021-02-25. Review status: criteria provided, single submitter. Criteria: Invitae Variant Classification Sherloc (09022015). Collection method: clinical testing. Allele origin: germline.
Comment: This sequence change replaces asparagine with serine at codon 3217 of the FAT4 protein (p.Asn3217Ser). The asparagine residue is highly conserved and there is a small physicochemical difference between asparagine and serine. This variant is not present in population databases (ExAC no frequency). This variant has not been reported in the literature in individuals with FAT4-related conditions. Advanced modeling of protein sequence and biophysical properties (such as structural, functional, and spatial information, amino acid conservation, physicochemical variation, residue mobility, and thermodynamic stability) performed at Invitae indicates that this missense variant is not expected to disrupt FAT4 protein function. In summary, the available evidence is currently insufficient to determine the role of this variant in disease. Therefore, it has been classified as a Variant of Uncertain Significance.